The following is an entry in ClinVar:

ClinVar aggregate classification (germline): Uncertain significance. Review status: criteria provided, multiple submitters, no conflicts (2 of 4 stars). 2 submissions from 2 submitters: Uncertain significance (2). Last evaluated 2022-04-09.

Conditions:
Giant axonal neuropathy 1 (GAN1). Also called: GAN-Related Neurodegeneration; GIANT AXONAL NEUROPATHY 1, AUTOSOMAL RECESSIVE. Identifiers: Orphanet 643, MedGen C1850386, MONDO:0009749, OMIM 256850.
Inborn genetic diseases. Identifiers: MedGen C0950123, MeSH D030342.

Allele frequency attached by ClinVar (database versions not stated): gnomAD exomes 0.00002 and 0.00004; ExAC 0.00004.
gnomAD v4.1: 62 of 1,613,938 alleles (0.0038%); highest among the groups gnomAD compares: Non-Finnish European, 0.0052%; no homozygotes.

Submissions (2):

Labcorp Genetics (formerly Invitae), Labcorp
Classification: Uncertain significance for Giant axonal neuropathy 1. Last evaluated: 2022-04-09. Review status: criteria provided, single submitter. Criteria: Invitae Variant Classification Sherloc (09022015). Collection method: clinical testing. Allele origin: germline.
Comment: In summary, the available evidence is currently insufficient to determine the role of this variant in disease. Therefore, it has been classified as a Variant of Uncertain Significance. Algorithms developed to predict the effect of missense changes on protein structure and function (SIFT, PolyPhen-2, Align-GVGD) all suggest that this variant is likely to be tolerated. ClinVar contains an entry for this variant (Variation ID: 959049). This variant has not been reported in the literature in individuals affected with GAN-related conditions. This variant is present in population databases (rs748422716, gnomAD 0.005%). This sequence change replaces serine, which is neutral and polar, with asparagine, which is neutral and polar, at codon 254 of the GAN protein (p.Ser254Asn).

Ambry Genetics
Classification: Uncertain significance for Inborn genetic diseases. Last evaluated: 2019-10-16. Review status: criteria provided, single submitter. Criteria: Ambry Variant Classification Scheme 2023. Collection method: clinical testing. Allele origin: germline.
Comment: The p.S254N variant (also known as c.761G>A), located in coding exon 4 of the GAN gene, results from a G to A substitution at nucleotide position 761. The serine at codon 254 is replaced by asparagine, an amino acid with highly similar properties. This amino acid position is well conserved in available vertebrate species. In addition, this alteration is predicted to be tolerated by in silico analysis. Since supporting evidence is limited at this time, the clinical significance of this alteration remains unclear.

NM_022041.4(GAN):c.761G>A (p.Ser254Asn)

Gene: GAN (gigaxonin; plus strand). Cytogenetic location: 16q23.2.
Variant type: single nucleotide variant.
Coding change: c.761G>A on transcript NM_022041.4 (MANE Select); coding-DNA position 761, G replaced by A.
Protein change: p.Ser254Asn; replaces serine 254 with asparagine.
Molecular consequence: missense variant.
Genome position (GRCh38, 1-based): chr16:81,356,912, G>A. VCF-style: chr16-81356912-G-A. GRCh37 (hg19) VCF-style: chr16-81390517-G-A.
Other names: c.122G>A, p.Ser41Asn (NM_001377486.1); short protein forms S254N, S41N.
Identifiers: ClinVar variation 959049 (VCV000959049.9), dbSNP rs748422716, ClinGen allele CA8191466.